The following is an entry in ClinVar:

NM_020699.4(GATAD2B):c.59C>T (p.Pro20Leu)

Gene: GATAD2B (GATA zinc finger domain containing 2B; minus strand). Cytogenetic location: 1q21.3.
Variant type: single nucleotide variant.
Coding change: c.59C>T on transcript NM_020699.4 (MANE Select); coding-DNA position 59, C replaced by T.
Protein change: p.Pro20Leu; replaces proline 20 with leucine.
Molecular consequence: missense variant.
Genome position (GRCh38, 1-based): chr1:153,828,289, G>A on the plus strand (C>T on the coding strand, the complement: GATAD2B is on the minus strand). VCF-style: chr1-153828289-G-A. GRCh37 (hg19) VCF-style: chr1-153800765-G-A.
Other names: short protein forms P20L.
Identifiers: ClinVar variation 3690527 (VCV003690527.2).
Genomic context (GRCh38, chr1:153,828,289, plus strand): 5'-ATGGCCTCATGCCCCTCCATTTTGAGTCGCTTTGCCAGGACATCATCTCGCTCATCTGCT[G>A]GGTCCAAGCTCCGCTTCAACAGATTCAAGCGAAGAGCATCTTCTGTCATTCTATCCATCC-3'
Protein context (NP_065750.1, residues 10-30): RLNLLKRSLD[Pro20Leu]ADERDDVLAK

ClinVar aggregate classification (germline): Uncertain significance (1 of 4 stars; one submission).

gnomAD v4.1: 18 of 1,613,452 alleles (0.0011%); highest among the groups gnomAD compares: Non-Finnish European, 0.0014%; no homozygotes.

Submission:

Labcorp Genetics (formerly Invitae), Labcorp
Classification: Uncertain significance. Last evaluated: 2024-07-22. Review status: criteria provided, single submitter. Criteria: Invitae Variant Classification Sherloc (09022015). Collection method: clinical testing. Allele origin: germline.
Comment: This sequence change replaces proline, which is neutral and non-polar, with leucine, which is neutral and non-polar, at codon 20 of the GATAD2B protein (p.Pro20Leu). This variant is not present in population databases (gnomAD no frequency). This variant has not been reported in the literature in individuals affected with GATAD2B-related conditions. Advanced modeling of protein sequence and biophysical properties (such as structural, functional, and spatial information, amino acid conservation, physicochemical variation, residue mobility, and thermodynamic stability) performed at Invitae indicates that this missense variant is not expected to disrupt GATAD2B protein function with a negative predictive value of 80%. In summary, the available evidence is currently insufficient to determine the role of this variant in disease. Therefore, it has been classified as a Variant of Uncertain Significance.